The following is an entry in ClinVar:

NM_001792.5(CDH2):c.196A>G (p.Lys66Glu)

Gene: CDH2 (cadherin 2; minus strand). Cytogenetic location: 18q12.1.
Variant type: single nucleotide variant.
Coding change: c.196A>G on transcript NM_001792.5 (MANE Select); coding-DNA position 196, A replaced by G.
Protein change: p.Lys66Glu; replaces lysine 66 with glutamic acid.
Molecular consequence: missense variant.
Genome position (GRCh38, 1-based): chr18:28,013,886, T>C on the plus strand (A>G on the coding strand, the complement: CDH2 is on the minus strand). VCF-style: chr18-28013886-T-C. GRCh37 (hg19) VCF-style: chr18-25593850-T-C.
Other names: c.103A>G, p.Lys35Glu (NM_001308176.2); short protein forms K66E, K35E.
Identifiers: ClinVar variation 4695720 (VCV004695720.1).

ClinVar aggregate classification (germline): Uncertain significance (1 of 4 stars; one submission).

gnomAD v4.1: 17 of 1,613,036 alleles (0.0011%); highest among the groups gnomAD compares: Non-Finnish European, 0.0014%; no homozygotes.

Submission:

Labcorp Genetics (formerly Invitae), Labcorp
Classification: Uncertain significance. Last evaluated: 2025-06-15. Review status: criteria provided, single submitter. Criteria: Invitae Variant Classification Sherloc (09022015). Collection method: clinical testing. Allele origin: germline.
Comment: This sequence change replaces lysine, which is basic and polar, with glutamic acid, which is acidic and polar, at codon 66 of the CDH2 protein (p.Lys66Glu). This variant is present in population databases (rs201274796, gnomAD 0.002%). This variant has not been reported in the literature in individuals affected with CDH2-related conditions. An algorithm developed to predict the effect of missense changes on protein structure and function (PolyPhen-2) suggests that this variant is likely to be tolerated. In summary, the available evidence is currently insufficient to determine the role of this variant in disease. Therefore, it has been classified as a Variant of Uncertain Significance.